The following is an entry in ClinVar:

ClinVar aggregate classification (germline): Uncertain significance (1 of 4 stars; one submission).

Conditions:
Neurofibromatosis, type 1 (NF1). Also called: Peripheral type neurofibromatosis; VON RECKLINGHAUSEN DISEASE; NEUROFIBROMATOSIS, TYPE I, SOMATIC; Neurofibromatosis, type I. Identifiers: Orphanet 636, MedGen C0027831, MONDO:0018975, OMIM 162200. Disease mechanism: loss of function.

Submission:

Labcorp Genetics (formerly Invitae), Labcorp
Classification: Uncertain significance for Neurofibromatosis, type 1. Last evaluated: 2022-08-09. Review status: criteria provided, single submitter. Criteria: Invitae Variant Classification Sherloc (09022015). Collection method: clinical testing. Allele origin: germline.
Comment: This variant is not present in population databases (gnomAD no frequency). In summary, the available evidence is currently insufficient to determine the role of this variant in disease. Therefore, it has been classified as a Variant of Uncertain Significance. Advanced modeling of protein sequence and biophysical properties (such as structural, functional, and spatial information, amino acid conservation, physicochemical variation, residue mobility, and thermodynamic stability) performed at Invitae indicates that this missense variant is expected to disrupt NF1 protein function. This variant has not been reported in the literature in individuals affected with NF1-related conditions. This sequence change replaces valine, which is neutral and non-polar, with glycine, which is neutral and non-polar, at codon 759 of the NF1 protein (p.Val759Gly).

NM_001042492.3(NF1):c.2276T>G (p.Val759Gly)

Gene: NF1 (neurofibromin 1; plus strand). Cytogenetic location: 17q11.2.
Variant type: single nucleotide variant.
Coding change: c.2276T>G on transcript NM_001042492.3 (MANE Select); coding-DNA position 2276, T replaced by G.
Protein change: p.Val759Gly; replaces valine 759 with glycine.
Molecular consequence: missense variant.
Genome position (GRCh38, 1-based): chr17:31,227,242, T>G. VCF-style: chr17-31227242-T-G. GRCh37 (hg19) VCF-style: chr17-29554260-T-G.
Other names: c.2276T>G, p.Val759Gly (NM_000267.4); short protein forms V759G.
Identifiers: ClinVar variation 1715991 (VCV001715991.5), dbSNP rs2067031096, ClinGen allele CA398982756.